The following is an entry in ClinVar:

NM_000278.5(PAX2):c.154T>C (p.Cys52Arg)

Gene: PAX2 (paired box 2; plus strand). Cytogenetic location: 10q24.31.
Variant type: single nucleotide variant.
Coding change: c.154T>C on transcript NM_000278.5 (MANE Select); coding-DNA position 154, T replaced by C.
Protein change: p.Cys52Arg; replaces cysteine 52 with arginine.
Molecular consequence: missense variant.
Genome position (GRCh38, 1-based): chr10:100,749,856, T>C. VCF-style: chr10-100749856-T-C. GRCh37 (hg19) VCF-style: chr10-102509613-T-C.
Other names: c.247T>C, p.Cys83Arg (NM_001304569.2); c.154T>C, p.Cys52Arg (NM_003987.5, NM_003988.5, NM_003989.5 and 1 more transcripts); short protein forms C52R, C83R.
Identifiers: ClinVar variation 2681729 (VCV002681729.2), dbSNP rs2492893466.

ClinVar aggregate classification (germline): Uncertain significance (1 of 4 stars; one submission).

Conditions:
Focal segmental glomerulosclerosis 7 (FSGS7). Identifiers: Orphanet 656, MedGen C4014925, MONDO:0014451, OMIM 616002.

Submission:

Precision Medicine Center, Zhengzhou University
Classification: Uncertain significance for Focal segmental glomerulosclerosis 7. Last evaluated: 2023-12-01. Review status: criteria provided, single submitter. Criteria: ACMG Guidelines, 2015. Collection method: clinical testing. Allele origin: maternal.
Comment: PM2_p,PP3,PP4